The following is an entry in ClinVar:

NM_007294.4(BRCA1):c.2090del (p.Phe697fs)

Gene: BRCA1 (BRCA1 DNA repair associated; minus strand). Cytogenetic location: 17q21.31.
Variant type: Deletion.
Coding change: c.2090del on transcript NM_007294.4 (MANE Select); coding-DNA position 2090, one base deleted (T; older notation c.2090delT).
Protein change: p.Phe697fs; shifts the reading frame from phenylalanine 697.
Molecular consequence: frameshift variant. On other transcripts: intron variant (137).
Genome position (GRCh38, 1-based): chr17:43,093,441, A deleted on the plus strand (T on the coding strand, the reverse complement: BRCA1 is on the minus strand); the first of 3 consecutive A bases (chr17:43,093,441-43,093,443); deleting any one gives the same sequence. VCF-style (leftmost placement, unchanged base first): chr17-43093440-GA-G. GRCh37 (hg19) VCF-style: chr17-41245457-GA-G.
Other names: c.2090delT (NM_007294.3); c.577+1303del (NM_001408485.1, NM_001408483.1, NM_001408481.1 and 9 more transcripts); c.661+1303del (NM_001408447.1, NM_001408433.1, NM_001408446.1 and 6 more transcripts); c.784+1303del (NM_001408400.1, NM_001408392.1, NM_001407986.1 and 13 more transcripts); c.664+1303del (NM_001408441.1, NM_001408437.1, NM_001408429.1 and 12 more transcripts); c.787+1303del (NM_001407979.1, NM_001407977.1, NM_001407982.1 and 17 more transcripts); c.646+1303del (NM_001408410.1, NM_001408458.1, NM_001408469.1 and 11 more transcripts); c.709+1303del (NM_001408415.1, NM_001408412.1, NM_001408409.1 and 2 more transcripts); and 42 more; short protein forms F650fs, F697fs, F586fs, F609fs, F626fs, F627fs, F630fs, F671fs.
Identifiers: ClinVar variation 440454 (VCV000440454.9), dbSNP rs886039996, ClinGen allele CA645509515.

ClinVar aggregate classification (germline): Pathogenic. Review status: reviewed by expert panel (3 of 4 stars). 3 submissions from 3 submitters: Pathogenic (1). 2 of the submissions do not count toward it. Last evaluated 2017-12-15.

Conditions:
Hereditary breast ovarian cancer syndrome. Also called: Hereditary breast and ovarian cancer syndrome (HBOC); BRCA1- and BRCA2-Associated Hereditary Breast and Ovarian Cancer; Hereditary breast and/or ovarian cancer syndrome; Hereditary breast and ovarian cancer syndrome; Hereditary breast and ovarian cancer; Breast and ovarian cancer. Identifiers: Orphanet 145, MedGen C0677776, MeSH D061325, MONDO:0003582. Disease mechanism: loss of function.
Breast-ovarian cancer, familial, susceptibility to, 1 (BROVCA1). Also called: BRCA1 Hereditary Breast and Ovarian Cancer; OVARIAN CANCER, SUSCEPTIBILITY TO. Identifiers: Orphanet 145, MedGen C2676676, MONDO:0011450, OMIM 604370. Disease mechanism: loss of function.

Submissions (3):

Evidence-based Network for the Interpretation of Germline Mutant Alleles (ENIGMA)
Classification: Pathogenic for Breast-ovarian cancer, familial, susceptibility to, 1. Last evaluated: 2017-12-15. Review status: reviewed by expert panel. Criteria: ENIGMA BRCA1/2 Classification Criteria (2017-06-29). Collection method: curation. Allele origin: germline. Study: ENIGMA.
Comment: Variant allele predicted to encode a truncated non-functional protein.

Labcorp Genetics (formerly Invitae), Labcorp
Classification: Pathogenic for Hereditary breast ovarian cancer syndrome. Last evaluated: 2022-10-17. Review status: criteria provided, single submitter. Criteria: Invitae Variant Classification Sherloc (09022015). Collection method: clinical testing. Allele origin: germline. Not counted in ClinVar's aggregate classification.
Comment: For these reasons, this variant has been classified as Pathogenic. This sequence change creates a premature translational stop signal (p.Phe697Serfs*4) in the BRCA1 gene. It is expected to result in an absent or disrupted protein product. Loss-of-function variants in BRCA1 are known to be pathogenic (PMID: 20104584). This variant is not present in population databases (gnomAD no frequency). This premature translational stop signal has been observed in individual(s) with breast cancer (PMID: 28294317). ClinVar contains an entry for this variant (Variation ID: 440454).

Laboratory for Molecular Medicine, Mass General Brigham Personalized Medicine
Classification: Pathogenic for Hereditary breast ovarian cancer syndrome. Last evaluated: 2017-01-11. Review status: criteria provided, single submitter. Criteria: LMM Criteria. Collection method: clinical testing. Allele origin: germline. Inheritance: Autosomal dominant inheritance. Observed: 1 variant allele. Not counted in ClinVar's aggregate classification.
Comment: The p.Phe697fs variant in BRCA1 has not been previously reported in individuals with hereditary breast and ovarian cancer (HBOC) and was absent from large popul ation studies. This variant is predicted to cause a frameshift, which alters the protein?s amino acid sequence beginning at position 697 and leads to a prematur e termination codon 4 amino acids downstream. This alteration is then predicted to lead to a truncated or absent protein. Heterozygous loss of function of funct ion of the BRCA1 gene is an established disease mechanism in HBOC. In summary, t his variant meets criteria to be classified as pathogenic for HBOC in an autosom al dominant manner.

Literature cited by the submitters: PubMed 20104584 (cited by Labcorp Genetics (formerly Invitae), Labcorp); PubMed 28294317 (cited by Labcorp Genetics (formerly Invitae), Labcorp).